The following is an entry in ClinVar:

NM_004560.4(ROR2):c.1448G>A (p.Arg483Gln)

Gene: ROR2 (receptor tyrosine kinase like orphan receptor 2; minus strand). Cytogenetic location: 9q22.31.
Variant type: single nucleotide variant.
Coding change: c.1448G>A on transcript NM_004560.4 (MANE Select); coding-DNA position 1448, G replaced by A.
Protein change: p.Arg483Gln; replaces arginine 483 with glutamine.
Molecular consequence: missense variant.
Genome position (GRCh38, 1-based): chr9:91,725,046, C>T on the plus strand (G>A on the coding strand, the complement: ROR2 is on the minus strand). VCF-style: chr9-91725046-C-T. GRCh37 (hg19) VCF-style: chr9-94487328-C-T.
Other names: short protein forms R483Q.
Identifiers: ClinVar variation 367505 (VCV000367505.18), dbSNP rs767474960, ClinGen allele CA5120683.

ClinVar aggregate classification (germline): Conflicting classifications of pathogenicity. Review status: criteria provided, conflicting classifications (1 of 4 stars). 4 submissions from 3 submitters: Uncertain significance (2); Benign (1); Likely benign (1). Last evaluated 2025-06-10.

Conditions:
Autosomal recessive Robinow syndrome (RRS1). Also called: ROBINOW SYNDROME, AUTOSOMAL RECESSIVE 1; COSTOVERTEBRAL SEGMENTATION DEFECT WITH MESOMELIA; COVESDEM SYNDROME; ROR2-Related Robinow Syndrome. Identifiers: Orphanet 1507, Orphanet 97360, MedGen C5399974, MONDO:0009999, OMIM 268310.
Brachydactyly type B1 (BDB1). Identifiers: Orphanet 572385, Orphanet 93383, MedGen C1862112, MONDO:0007220, OMIM 113000.

Allele frequency attached by ClinVar (database versions not stated): gnomAD exomes 0.00007 and 0.00026; TOPMed 0.00017; ExAC 0.00024; gnomAD 0.00007.
gnomAD v4.1: 118 of 1,614,044 alleles (0.0073%); highest among the groups gnomAD compares: East Asian, 0.19%; 1 homozygote.

Submissions (4):

Labcorp Genetics (formerly Invitae), Labcorp
Classification: Likely benign. Last evaluated: 2025-06-10. Review status: criteria provided, single submitter. Criteria: Invitae Variant Classification Sherloc (09022015). Collection method: clinical testing. Allele origin: germline.

Eurofins Ntd Llc (ga)
Classification: Uncertain significance. Last evaluated: 2018-01-31. Review status: criteria provided, single submitter. Criteria: EGL Classification Definitions 2015. Collection method: clinical testing. Allele origin: germline. Observed: 1 variant allele, 1 heterozygote.

Illumina Laboratory Services, Illumina
Classification: Benign for Brachydactyly type B1. Last evaluated: 2018-01-12. Review status: criteria provided, single submitter. Criteria: ICSL Variant Classification Criteria 13 December 2019. Collection method: clinical testing. Allele origin: germline.
Comment: This variant was observed in the ICSL laboratory as part of a predisposition screen in an ostensibly healthy population. It had not been previously curated by ICSL or reported in the Human Gene Mutation Database (HGMD: prior to June 1st, 2018), and was therefore a candidate for classification through an automated scoring system. Utilizing variant allele frequency, disease prevalence and penetrance estimates, and inheritance mode, an automated score was calculated to assess if this variant is too frequent to cause the disease. Based on the score and internal cut-off values, a variant classified as benign is not then subjected to further curation. The score for this variant resulted in a classification of benign for this disease.

Illumina Laboratory Services, Illumina
Classification: Uncertain significance for Autosomal recessive Robinow syndrome. Last evaluated: 2018-01-12. Review status: criteria provided, single submitter. Criteria: ICSL Variant Classification Criteria 13 December 2019. Collection method: clinical testing. Allele origin: germline.